The following is an entry in ClinVar:

ClinVar aggregate classification (germline): Uncertain significance (1 of 4 stars; one submission).

Submission:

Labcorp Genetics (formerly Invitae), Labcorp
Classification: Uncertain significance. Last evaluated: 2024-10-22. Review status: criteria provided, single submitter. Criteria: Invitae Variant Classification Sherloc (09022015). Collection method: clinical testing. Allele origin: germline.
Comment: This variant, c.46_66del, results in the deletion of 7 amino acid(s) of the LRP5 protein (p.Leu16_Leu22del), but otherwise preserves the integrity of the reading frame. This variant is not present in population databases (gnomAD no frequency). This variant has been observed in individual(s) with clinical features of osteoporosis-pseudoglioma syndrome (internal data). ClinVar contains an entry for this variant (Variation ID: 2103918). Experimental studies and prediction algorithms are not available or were not evaluated, and the functional significance of this variant is currently unknown. In summary, the available evidence is currently insufficient to determine the role of this variant in disease. Therefore, it has been classified as a Variant of Uncertain Significance.

NM_002335.4(LRP5):c.46_66del (p.Leu16_Leu22del)

Gene: LRP5 (LDL receptor related protein 5; plus strand). Cytogenetic location: 11q13.2.
Variant type: Deletion.
Coding change: c.46_66del on transcript NM_002335.4 (MANE Select); coding-DNA positions 46 to 66, 21 bases deleted (CTGCTGCTGCTGCTGGCGCTG).
Protein change: p.Leu16_Leu22del.
Molecular consequence: inframe deletion. On other transcripts: 5 prime UTR variant (1).
Genome position (GRCh38, 1-based): chr11:68,312,760-68,312,780, CTGCTGCTGCTGCTGGCGCTG deleted; deleting any 21 consecutive bases within chr11:68,312,756-68,312,780 gives the same sequence; the c. name uses the placement nearest the transcript's 3' end. VCF-style (leftmost placement, unchanged base first): chr11-68312755-TGCTGCTGCTGCTGCTGCTGGC-T. GRCh37 (hg19) VCF-style: chr11-68080223-TGCTGCTGCTGCTGCTGCTGGC-T.
Other names: c.-1720_-1700del (NM_001291902.2).
Identifiers: ClinVar variation 2103918 (VCV002103918.4), dbSNP rs2496191601, ClinGen allele CA2580084680.